The following is an entry in ClinVar:

NM_032119.4(ADGRV1):c.4205C>T (p.Thr1402Ile)

Gene: ADGRV1 (adhesion G protein-coupled receptor V1; plus strand). Cytogenetic location: 5q14.3.
Variant type: single nucleotide variant.
Coding change: c.4205C>T on transcript NM_032119.4 (MANE Select); coding-DNA position 4205, C replaced by T.
Protein change: p.Thr1402Ile; replaces threonine 1402 with isoleucine.
Molecular consequence: missense variant. On other transcripts: non-coding transcript variant (1).
Genome position (GRCh38, 1-based): chr5:90,653,779, C>T. VCF-style: chr5-90653779-C-T. GRCh37 (hg19) VCF-style: chr5-89949596-C-T.
Other names: short protein forms T1402I.
Identifiers: ClinVar variation 2627435 (VCV002627435.1), dbSNP rs2149468312, ClinGen allele CA360401846.

ClinVar aggregate classification (germline): Uncertain significance (1 of 4 stars; one submission).

Conditions:
Febrile seizures, familial, 4 (FEB4). Also called: CONVULSIONS, FAMILIAL FEBRILE, 4. Identifiers: MedGen C1858493, MONDO:0011443, OMIM 604352.

Submission:

Neuberg Centre For Genomic Medicine, NCGM
Classification: Uncertain significance for Febrile seizures, familial, 4. Review status: criteria provided, single submitter. Criteria: ACMG Guidelines, 2015. Collection method: clinical testing. Allele origin: germline. Inheritance: Autosomal dominant inheritance. Affected: yes.
Comment: The missense variant p.T1402I in ADGRV1 (NM_032119.4) has not been reported previously as a pathogenic variant nor as a benign variant, to our knowledge. The p.T1402I variant is novel (not in any individuals) in gnomAD Exomes and is novel (not in any individuals) in 1000 Genomes. The p.T1402I missense variant is predicted to be damaging by both SIFT and PolyPhen2. The nucleotide c.4205 in ADGRV1 is predicted conserved by GERP++ and PhyloP across 100 vertebrates. For these reasons, this variant has been classified as Uncertain Significance.